The following is an entry in ClinVar:

ClinVar aggregate classification (germline): Uncertain significance. Review status: criteria provided, multiple submitters, no conflicts (2 of 4 stars). 2 submissions from 2 submitters: Uncertain significance (2). Last evaluated 2025-12-05.

Conditions:
Generalized epilepsy-paroxysmal dyskinesia syndrome (PNKD3). Also called: Generalized epilepsy and paroxysmal dyskinesia; Paroxysmal nonkinesigenic dyskinesia, 3, with or without generalized epilepsy. Identifiers: Orphanet 79137, MedGen C5574945, MONDO:0012276, OMIM 609446.
KCNMA1-related disorder. Also called: KCNMA1-related disorders; KCNMA1-related condition.

Submissions (2):

3billion
Classification: Uncertain significance for KCNMA1-related disorder. Last evaluated: 2025-12-05. Review status: criteria provided, single submitter. Criteria: ACMG Guidelines, 2015. Collection method: clinical testing. Allele origin: germline. Affected: yes.
Comment: The variant is not observed in the gnomAD v4.1.0 dataset. Predicted Consequence/Location: Missense variant The variant has been reported as of uncertain significance (ClinVar ID: VCV003691195). Therefore, this variant is classified as VUS according to the recommendation of ACMG/AMP guideline.

Labcorp Genetics (formerly Invitae), Labcorp
Classification: Uncertain significance for Generalized epilepsy-paroxysmal dyskinesia syndrome. Last evaluated: 2024-02-20. Review status: criteria provided, single submitter. Criteria: Invitae Variant Classification Sherloc (09022015). Collection method: clinical testing. Allele origin: germline.
Comment: This sequence change replaces tyrosine, which is neutral and polar, with cysteine, which is neutral and slightly polar, at codon 592 of the KCNMA1 protein (p.Tyr592Cys). This variant is not present in population databases (gnomAD no frequency). This variant has not been reported in the literature in individuals affected with KCNMA1-related conditions. Advanced modeling of protein sequence and biophysical properties (such as structural, functional, and spatial information, amino acid conservation, physicochemical variation, residue mobility, and thermodynamic stability) performed at Invitae indicates that this missense variant is not expected to disrupt KCNMA1 protein function with a negative predictive value of 80%. In summary, the available evidence is currently insufficient to determine the role of this variant in disease. Therefore, it has been classified as a Variant of Uncertain Significance.

NM_001161352.2(KCNMA1):c.1775A>G (p.Tyr592Cys)

Gene: KCNMA1 (potassium calcium-activated channel subfamily M alpha 1; minus strand). Cytogenetic location: 10q22.3.
Variant type: single nucleotide variant.
Coding change: c.1775A>G on transcript NM_001161352.2 (MANE Select); coding-DNA position 1775, A replaced by G.
Protein change: p.Tyr592Cys; replaces tyrosine 592 with cysteine.
Molecular consequence: missense variant.
Genome position (GRCh38, 1-based): chr10:77,039,612, T>C on the plus strand (A>G on the coding strand, the complement: KCNMA1 is on the minus strand). VCF-style: chr10-77039612-T-C. GRCh37 (hg19) VCF-style: chr10-78799370-T-C.
Other names: c.1775A>G, p.Tyr592Cys (NM_001322835.2, NM_001322836.2, NM_001322837.2 and 8 more transcripts); c.1235A>G, p.Tyr412Cys (NM_001322838.2); c.1613A>G, p.Tyr538Cys (NM_001271518.2); short protein forms Y592C, Y412C, Y538C.
Identifiers: ClinVar variation 3691195 (VCV003691195.3).